The following is an entry in ClinVar:

ClinVar aggregate classification (germline): Uncertain significance (1 of 4 stars; one submission).

Conditions:
Adenylosuccinate lyase deficiency (ADSLD). Also called: ADSL DEFICIENCY. Identifiers: Orphanet 46, MedGen C0268126, MONDO:0007068, OMIM 103050.

Allele frequency attached by ClinVar (database versions not stated): gnomAD 0.00001; gnomAD exomes 0.00001; TOPMed 0.00001.

Submission:

Labcorp Genetics (formerly Invitae), Labcorp
Classification: Uncertain significance for Adenylosuccinate lyase deficiency. Last evaluated: 2021-02-22. Review status: criteria provided, single submitter. Criteria: Invitae Variant Classification Sherloc (09022015). Collection method: clinical testing. Allele origin: germline.
Comment: This variant occurs in a non-coding region of the ADSL gene. It does not change the encoded amino acid sequence of the ADSL protein. The frequency data for this variant in the population databases is considered unreliable, as metrics indicate insufficient coverage at this position in the ExAC database. In summary, the available evidence is currently insufficient to determine the role of this variant in disease. Therefore, it has been classified as a Variant of Uncertain Significance. Experimental studies and prediction algorithms are not available or were not evaluated, and the functional significance of this variant is currently unknown. This variant has not been reported in the literature in individuals with ADSL-related conditions.

NC_000022.11:g.40346443C>G

Gene: ADSL (adenylosuccinate lyase; plus strand). Cytogenetic location: 22q13.1.
Variant type: single nucleotide variant.
Genome position: GRCh38 VCF-style: chr22-40346443-C-G. GRCh37 (hg19) VCF-style: chr22-40742447-C-G.
Identifiers: ClinVar variation 1399293 (VCV001399293.6), dbSNP rs1325872618, ClinGen allele CA753180099.